The following is an entry in ClinVar:

NM_001382391.1(CSPP1):c.1111C>T (p.Leu371Phe)

Gene: CSPP1 (centrosome and spindle pole associated protein 1; plus strand). Cytogenetic location: 8q13.2.
Variant type: single nucleotide variant.
Coding change: c.1111C>T on transcript NM_001382391.1 (MANE Select); coding-DNA position 1111, C replaced by T.
Protein change: p.Leu371Phe; replaces leucine 371 with phenylalanine.
Molecular consequence: missense variant.
Genome position (GRCh38, 1-based): chr8:67,111,989, C>T. VCF-style: chr8-67111989-C-T. GRCh37 (hg19) VCF-style: chr8-68024224-C-T.
Other names: c.256C>T, p.Leu86Phe (NM_001291339.2); c.1030C>T, p.Leu344Phe (NM_001363131.2, NM_001363133.2); c.1111C>T, p.Leu371Phe (NM_001363132.2); c.1219C>T, p.Leu407Phe (NM_001364869.1); c.1039C>T, p.Leu347Phe (NM_001364870.1); c.1138C>T, p.Leu380Phe (NM_024790.7); short protein forms L347F, L407F, L380F, L344F, L371F, L86F.
Identifiers: ClinVar variation 2170798 (VCV002170798.4), dbSNP rs2488869689, ClinGen allele CA371196461.
Genomic context (GRCh38, chr8:67,111,989, plus strand): 5'-TGCTTAAGAGTTAAGATTGTATTTTTCTCATACCACTATCTAGGAGGTGAAGATCGAGAA[C>T]TTATTCAGAGAAGGAAAGAGAAATACAGACTAGAACTGTTGGAACAAATGGCTGAGCAAC-3'
Protein context (NP_001369320.1, residues 361-381): GMLFGGEDRE[Leu371Phe]IQRRKEKYRL

ClinVar aggregate classification (germline): Uncertain significance (1 of 4 stars; one submission).

Conditions:
Joubert syndrome 21 (JBTS21). Identifiers: MedGen C3810212, MONDO:0014288, OMIM 615636.

Allele frequency attached by ClinVar (database versions not stated): gnomAD exomes below 0.00001.

Submission:

Labcorp Genetics (formerly Invitae), Labcorp
Classification: Uncertain significance for Joubert syndrome 21. Last evaluated: 2024-10-15. Review status: criteria provided, single submitter. Criteria: Invitae Variant Classification Sherloc (09022015). Collection method: clinical testing. Allele origin: germline.
Comment: This sequence change replaces leucine, which is neutral and non-polar, with phenylalanine, which is neutral and non-polar, at codon 380 of the CSPP1 protein (p.Leu380Phe). This variant is not present in population databases (gnomAD no frequency). This variant has not been reported in the literature in individuals affected with CSPP1-related conditions. ClinVar contains an entry for this variant (Variation ID: 2170798). An algorithm developed to predict the effect of missense changes on protein structure and function (PolyPhen-2) suggests that this variant is likely to be disruptive. In summary, the available evidence is currently insufficient to determine the role of this variant in disease. Therefore, it has been classified as a Variant of Uncertain Significance.